The following is an entry in ClinVar:

NM_001282933.2(ZNF341):c.2493G>A (p.Ala831=)

Genes: ZNF341 (zinc finger protein 341; plus strand), ZNF341-AS1 (ZNF341 antisense RNA 1; minus strand). Cytogenetic location: 20q11.22.
Variant type: single nucleotide variant.
Coding change: c.2493G>A on transcript NM_001282933.2 (MANE Select); coding-DNA position 2493, G replaced by A.
Protein change: p.Ala831=; no amino-acid change (alanine 831 retained).
Molecular consequence: synonymous variant. On other transcripts: non-coding transcript variant (1).
Genome position (GRCh38, 1-based): chr20:33,791,445, G>A. VCF-style: chr20-33791445-G-A. GRCh37 (hg19) VCF-style: chr20-32379251-G-A.
Other names: c.2223G>A, p.Ala741= (NM_001282935.2); c.2472G>A, p.Ala824= (NM_032819.5).
Identifiers: ClinVar variation 1376808 (VCV001376808.9), dbSNP rs146876084, ClinGen allele CA9819821.
Genomic context (GRCh38, chr20:33,791,445, plus strand): 5'-GGAAACTGAGCTGGTGGTACCTGGACACGCTGAGGGGCTGGGCTCCAACCTGGCTCTGGC[G>A]GAGCTGCAGGCTGGGGCCGAGGGCCCATGTGCCATGCTCGCTGTGCCCGTCTACATCCAG-3'
Protein context (NP_001269862.1, residues 821-841): AEGLGSNLAL[Ala831=]ELQAGAEGPC

ClinVar aggregate classification (germline): Likely benign. Review status: criteria provided, multiple submitters, no conflicts (2 of 4 stars). 2 submissions from 2 submitters: Likely benign (2). Last evaluated 2026-09-01.

Allele frequency attached by ClinVar (database versions not stated): gnomAD exomes 0.00003 and 0.00007; ExAC 0.00006; gnomAD 0.00009 and 0.00010; TOPMed 0.00014; ESP Exome Variant Server 0.00015; 1000 Genomes Project 30x 0.00016; 1000 Genomes Project 0.00020.
gnomAD v4.1: 55 of 1,609,122 alleles (0.0034%); highest among the groups gnomAD compares: African/African-American, 0.04%; no homozygotes.

Submissions (2):

CeGaT Center for Human Genetics Tuebingen
Classification: Likely benign. Last evaluated: 2026-09-01. Review status: criteria provided, single submitter. Criteria: CeGaT Center For Human Genetics Tuebingen Variant Classification Criteria Version 2. Collection method: clinical testing. Allele origin: germline. Affected: yes. Observed: 1 variant allele.
Comment: ZNF341: BP4, BP7

Labcorp Genetics (formerly Invitae), Labcorp
Classification: Likely benign. Last evaluated: 2025-07-13. Review status: criteria provided, single submitter. Criteria: Invitae Variant Classification Sherloc (09022015). Collection method: clinical testing. Allele origin: germline.